The following is an entry in ClinVar:

NM_020461.4(TUBGCP6):c.1852G>A (p.Asp618Asn)

Gene: TUBGCP6 (tubulin gamma complex component 6; minus strand). Cytogenetic location: 22q13.33.
Variant type: single nucleotide variant.
Coding change: c.1852G>A on transcript NM_020461.4 (MANE Select); coding-DNA position 1852, G replaced by A.
Protein change: p.Asp618Asn; replaces aspartic acid 618 with asparagine.
Molecular consequence: missense variant.
Genome position (GRCh38, 1-based): chr22:50,225,925, C>T on the plus strand (G>A on the coding strand, the complement: TUBGCP6 is on the minus strand). VCF-style: chr22-50225925-C-T. GRCh37 (hg19) VCF-style: chr22-50664354-C-T.
Other names: short protein forms D618N.
Identifiers: ClinVar variation 1800896 (VCV001800896.1), dbSNP rs750772371, ClinGen allele CA10308478.

ClinVar aggregate classification (germline): Uncertain significance (1 of 4 stars; one submission).

Allele frequency attached by ClinVar (database versions not stated): ExAC 0.00002.

Submission:

GeneDx
Classification: Uncertain significance. Last evaluated: 2022-05-24. Review status: criteria provided, single submitter. Criteria: GeneDx Variant Classification Process June 2021. Collection method: clinical testing. Allele origin: germline. Affected: yes.
Comment: Not observed at significant frequency in large population cohorts (gnomAD); In silico analysis supports that this missense variant has a deleterious effect on protein structure/function; Has not been previously published as pathogenic or benign to our knowledge